The following is an entry in ClinVar:

NM_032043.3(BRIP1):c.976C>G (p.Gln326Glu)

Gene: BRIP1 (BRCA1 interacting DNA helicase 1; minus strand). Cytogenetic location: 17q23.2.
Variant type: single nucleotide variant.
Coding change: c.976C>G on transcript NM_032043.3 (MANE Select); coding-DNA position 976, C replaced by G.
Protein change: p.Gln326Glu; replaces glutamine 326 with glutamic acid.
Molecular consequence: missense variant.
Genome position (GRCh38, 1-based): chr17:61,801,417, G>C on the plus strand (C>G on the coding strand, the complement: BRIP1 is on the minus strand). VCF-style: chr17-61801417-G-C. GRCh37 (hg19) VCF-style: chr17-59878778-G-C.
Other names: short protein forms Q326E.
Identifiers: ClinVar variation 862379 (VCV000862379.10), dbSNP rs1555607768, ClinGen allele CA400484196.

ClinVar aggregate classification (germline): Uncertain significance (1 of 4 stars; one submission).

Conditions:
Familial cancer of breast. Also called: hereditary breast carcinoma; BREAST CANCER, FAMILIAL; Hereditary breast cancer. Identifiers: Orphanet 227535, MedGen C0346153, MONDO:0016419, OMIM 114480. Disease mechanism: loss of function.
Fanconi anemia complementation group J. Also called: BRIP1-Related Fanconi Anemia. Identifiers: Orphanet 84, MedGen C1836860, MONDO:0012187, OMIM 609054.

Submission:

Labcorp Genetics (formerly Invitae), Labcorp
Classification: Uncertain significance for Familial cancer of breast; Fanconi anemia complementation group J. Last evaluated: 2019-03-05. Review status: criteria provided, single submitter. Criteria: Invitae Variant Classification Sherloc (09022015). Collection method: clinical testing. Allele origin: germline.
Comment: This sequence change replaces glutamine with glutamic acid at codon 326 of the BRIP1 protein (p.Gln326Glu). The glutamine residue is moderately conserved and there is a small physicochemical difference between glutamine and glutamic acid. In summary, the available evidence is currently insufficient to determine the role of this variant in disease. Therefore, it has been classified as a Variant of Uncertain Significance. Algorithms developed to predict the effect of missense changes on protein structure and function are either unavailable or do not agree on the potential impact of this missense change (SIFT: "Tolerated"; PolyPhen-2: "Possibly Damaging"; Align-GVGD: "Class C0"). This variant has not been reported in the literature in individuals with BRIP1-related conditions. This variant is not present in population databases (ExAC no frequency).